The following is an entry in ClinVar:

NM_005857.5(ZMPSTE24):c.1259C>G (p.Ala420Gly)

Gene: ZMPSTE24 (zinc metallopeptidase STE24; plus strand). Cytogenetic location: 1p34.2.
Variant type: single nucleotide variant.
Coding change: c.1259C>G on transcript NM_005857.5 (MANE Select); coding-DNA position 1259, C replaced by G.
Protein change: p.Ala420Gly; replaces alanine 420 with glycine.
Molecular consequence: missense variant.
Genome position (GRCh38, 1-based): chr1:40,292,500, C>G. VCF-style: chr1-40292500-C-G. GRCh37 (hg19) VCF-style: chr1-40758172-C-G.
Other names: short protein forms A420G.
Identifiers: ClinVar variation 876056 (VCV000876056.6), dbSNP rs200751802, ClinGen allele CA791204.

ClinVar aggregate classification (germline): Uncertain significance. Review status: criteria provided, multiple submitters, no conflicts (2 of 4 stars). 4 submissions from 3 submitters: Uncertain significance (4). Last evaluated 2022-07-16.

Conditions:
Lethal tight skin contracture syndrome. Also called: RESTRICTIVE DERMOPATHY, LETHAL; Restrictive dermopathy; FETAL HYPOKINESIA SEQUENCE DUE TO RESTRICTIVE DERMOPATHY; HYPERKERATOSIS-CONTRACTURE SYNDROME. Identifiers: Orphanet 1662, MedGen C0406585, MONDO:0031213.
Mandibuloacral dysplasia with type B lipodystrophy (MADB). Also called: LIPODYSTROPHY, TYPE B, ASSOCIATED WITH MANDIBULOACRAL DYSPLASIA. Identifiers: Orphanet 2457, Orphanet 90154, MedGen C1837756, MONDO:0012074, OMIM 608612.

Allele frequency attached by ClinVar (database versions not stated): ExAC 0.00002; gnomAD 0.00002 and 0.00003; gnomAD exomes 0.00003 and 0.00005; TOPMed 0.00003; ESP Exome Variant Server 0.00008; 1000 Genomes Project 30x 0.00031; 1000 Genomes Project 0.00040.

Submissions (4):

Labcorp Genetics (formerly Invitae), Labcorp
Classification: Uncertain significance. Last evaluated: 2022-07-16. Review status: criteria provided, single submitter. Criteria: Invitae Variant Classification Sherloc (09022015). Collection method: clinical testing. Allele origin: germline.
Comment: This sequence change replaces alanine, which is neutral and non-polar, with glycine, which is neutral and non-polar, at codon 420 of the ZMPSTE24 protein (p.Ala420Gly). This variant is present in population databases (rs200751802, gnomAD 0.08%). This variant has not been reported in the literature in individuals affected with ZMPSTE24-related conditions. ClinVar contains an entry for this variant (Variation ID: 876056). Algorithms developed to predict the effect of missense changes on protein structure and function are either unavailable or do not agree on the potential impact of this missense change (SIFT: "Not Available"; PolyPhen-2: "Benign"; Align-GVGD: "Not Available"). In summary, the available evidence is currently insufficient to determine the role of this variant in disease. Therefore, it has been classified as a Variant of Uncertain Significance.

Baylor Genetics
Classification: Uncertain significance for Restrictive dermopathy 1. Last evaluated: 2019-11-07. Review status: criteria provided, single submitter. Criteria: ACMG Guidelines, 2015. Collection method: clinical testing. Allele origin: unknown. Affected: yes.
Comment: This variant was determined to be of uncertain significance according to ACMG Guidelines, 2015 [PMID:25741868].

Illumina Laboratory Services, Illumina
Classification: Uncertain significance for Restrictive dermopathy 1. Last evaluated: 2018-01-13. Review status: criteria provided, single submitter. Criteria: ICSL Variant Classification Criteria 13 December 2019. Collection method: clinical testing. Allele origin: germline.

Illumina Laboratory Services, Illumina
Classification: Uncertain significance for Mandibuloacral dysplasia with type B lipodystrophy. Last evaluated: 2018-01-13. Review status: criteria provided, single submitter. Criteria: ICSL Variant Classification Criteria 13 December 2019. Collection method: clinical testing. Allele origin: germline.